The following is an entry in ClinVar:

NM_000541.5(SAG):c.1154A>G (p.His385Arg)

Gene: SAG (S-antigen visual arrestin; plus strand). Cytogenetic location: 2q37.1.
Variant type: single nucleotide variant.
Coding change: c.1154A>G on transcript NM_000541.5 (MANE Select); coding-DNA position 1154, A replaced by G.
Protein change: p.His385Arg; replaces histidine 385 with arginine.
Molecular consequence: missense variant.
Genome position (GRCh38, 1-based): chr2:233,346,848, A>G. VCF-style: chr2-233346848-A-G. GRCh37 (hg19) VCF-style: chr2-234255494-A-G.
Other names: short protein forms H385R.
Identifiers: ClinVar variation 1462153 (VCV001462153.8), dbSNP rs971908490, ClinGen allele CA67568162.

ClinVar aggregate classification (germline): Uncertain significance (1 of 4 stars; one submission).

Allele frequency attached by ClinVar (database versions not stated): gnomAD exomes below 0.00001; TOPMed 0.00001.
gnomAD v4.1: 2 of 1,613,090 alleles (0.00012%); highest among the groups gnomAD compares: Non-Finnish European, 0.00017%; no homozygotes.

Submission:

Labcorp Genetics (formerly Invitae), Labcorp
Classification: Uncertain significance. Last evaluated: 2022-07-05. Review status: criteria provided, single submitter. Criteria: Invitae Variant Classification Sherloc (09022015). Collection method: clinical testing. Allele origin: germline.
Comment: ClinVar contains an entry for this variant (Variation ID: 1462153). In summary, the available evidence is currently insufficient to determine the role of this variant in disease. Therefore, it has been classified as a Variant of Uncertain Significance. Algorithms developed to predict the effect of missense changes on protein structure and function (SIFT, PolyPhen-2, Align-GVGD) all suggest that this variant is likely to be tolerated. This variant has not been reported in the literature in individuals affected with SAG-related conditions. This variant is not present in population databases (gnomAD no frequency). This sequence change replaces histidine, which is basic and polar, with arginine, which is basic and polar, at codon 385 of the SAG protein (p.His385Arg).